The following is an entry in ClinVar:

ClinVar aggregate classification (germline): Uncertain significance. Review status: criteria provided, multiple submitters, no conflicts (2 of 4 stars). 2 submissions from 2 submitters: Uncertain significance (2). Last evaluated 2024-12-28.

Conditions:
Inborn genetic diseases. Identifiers: MedGen C0950123, MeSH D030342.

gnomAD v4.1: 6 of 1,614,110 alleles (0.00037%); highest among the groups gnomAD compares: South Asian, 0.0022%; no homozygotes.

Submissions (2):

Labcorp Genetics (formerly Invitae), Labcorp
Classification: Uncertain significance. Last evaluated: 2024-12-28. Review status: criteria provided, single submitter. Criteria: Invitae Variant Classification Sherloc (09022015). Collection method: clinical testing. Allele origin: germline.
Comment: This sequence change replaces asparagine, which is neutral and polar, with serine, which is neutral and polar, at codon 951 of the ADNP protein (p.Asn951Ser). This variant is not present in population databases (gnomAD no frequency). This variant has not been reported in the literature in individuals affected with ADNP-related conditions. An algorithm developed to predict the effect of missense changes on protein structure and function (PolyPhen-2) suggests that this variant is likely to be tolerated. In summary, the available evidence is currently insufficient to determine the role of this variant in disease. Therefore, it has been classified as a Variant of Uncertain Significance.

Ambry Genetics
Classification: Uncertain significance for Inborn genetic diseases. Last evaluated: 2024-08-19. Review status: criteria provided, single submitter. Criteria: Ambry Variant Classification Scheme 2023. Collection method: clinical testing. Allele origin: germline.

NM_001282531.3(ADNP):c.2852A>G (p.Asn951Ser)

Gene: ADNP (activity dependent neuroprotector homeobox; minus strand). Cytogenetic location: 20q13.13.
Variant type: single nucleotide variant.
Coding change: c.2852A>G on transcript NM_001282531.3 (MANE Select); coding-DNA position 2852, A replaced by G.
Protein change: p.Asn951Ser; replaces asparagine 951 with serine.
Molecular consequence: missense variant.
Genome position (GRCh38, 1-based): chr20:50,891,862, T>C on the plus strand (A>G on the coding strand, the complement: ADNP is on the minus strand). VCF-style: chr20-50891862-T-C. GRCh37 (hg19) VCF-style: chr20-49508399-T-C.
Other names: c.2852A>G, p.Asn951Ser (NM_001282532.2, NM_001347511.2, NM_015339.5 and 1 more transcripts); short protein forms N951S.
Identifiers: ClinVar variation 3501430 (VCV003501430.3).